The following is an entry in ClinVar:

ClinVar aggregate classification (germline): Uncertain significance (1 of 4 stars; one submission).

Allele frequency attached by ClinVar (database versions not stated): gnomAD exomes below 0.00001; ExAC 0.00001; gnomAD 0.00001; TOPMed 0.00002.
gnomAD v4.1: 2 of 1,569,688 alleles (0.00013%); highest among the groups gnomAD compares: African/African-American, 0.0027%; no homozygotes.

Submission:

Labcorp Genetics (formerly Invitae), Labcorp
Classification: Uncertain significance. Last evaluated: 2022-08-23. Review status: criteria provided, single submitter. Criteria: Invitae Variant Classification Sherloc (09022015). Collection method: clinical testing. Allele origin: germline.
Comment: Algorithms developed to predict the effect of missense changes on protein structure and function are either unavailable or do not agree on the potential impact of this missense change (SIFT: "Not Available"; PolyPhen-2: "Benign"; Align-GVGD: "Not Available"). ClinVar contains an entry for this variant (Variation ID: 1487591). This variant has not been reported in the literature in individuals affected with GINS1-related conditions. This variant is present in population databases (rs754273692, gnomAD 0.007%). This sequence change replaces phenylalanine with leucine at codon 159 of the GINS1 protein (p.Phe159Leu). The phenylalanine residue is highly conserved and there is a small physicochemical difference between phenylalanine and leucine. In summary, the available evidence is currently insufficient to determine the role of this variant in disease. Therefore, it has been classified as a Variant of Uncertain Significance.

NM_021067.5(GINS1):c.477T>G (p.Phe159Leu)

Gene: GINS1 (GINS complex subunit 1; plus strand). Cytogenetic location: 20p11.21.
Variant type: single nucleotide variant.
Coding change: c.477T>G on transcript NM_021067.5 (MANE Select); coding-DNA position 477, T replaced by G.
Protein change: p.Phe159Leu; replaces phenylalanine 159 with leucine.
Molecular consequence: missense variant. On other transcripts: non-coding transcript variant (1).
Genome position (GRCh38, 1-based): chr20:25,441,731, T>G. VCF-style: chr20-25441731-T-G. GRCh37 (hg19) VCF-style: chr20-25422367-T-G.
Other names: short protein forms F159L.
Identifiers: ClinVar variation 1487591 (VCV001487591.6), dbSNP rs754273692, ClinGen allele CA9796566.